The following is an entry in ClinVar:

ClinVar aggregate classification (germline): Pathogenic/Likely pathogenic. Review status: criteria provided, multiple submitters, no conflicts (2 of 4 stars). 4 submissions from 4 submitters: Pathogenic (2); Likely pathogenic (2). Last evaluated 2024-06-03.

Conditions:
UV-sensitive syndrome 2 (UVSS2). Identifiers: Orphanet 178338, MedGen C3553298, MONDO:0013829, OMIM 614621.
Cockayne syndrome type 1. Also called: Cockayne syndrome type I; Cockayne syndrome classical; Cockayne syndrome classic form. Identifiers: Orphanet 191, Orphanet 90321, MedGen C0751039, MONDO:0019569, OMIM 216400.

Submissions (4):

Fulgent Genetics
Classification: Likely pathogenic for Cockayne syndrome type 1; UV-sensitive syndrome 2. Last evaluated: 2024-06-03. Review status: criteria provided, single submitter. Criteria: ACMG Guidelines, 2015. Collection method: clinical testing. Allele origin: germline.

Labcorp Genetics (formerly Invitae), Labcorp
Classification: Pathogenic. Last evaluated: 2023-10-06. Review status: criteria provided, single submitter. Criteria: Invitae Variant Classification Sherloc (09022015). Collection method: clinical testing. Allele origin: germline.
Comment: This sequence change creates a premature translational stop signal (p.Ser61*) in the ERCC8 gene. It is expected to result in an absent or disrupted protein product. Loss-of-function variants in ERCC8 are known to be pathogenic (PMID: 29572252). This variant is not present in population databases (gnomAD no frequency). This variant has not been reported in the literature in individuals affected with ERCC8-related conditions. ClinVar contains an entry for this variant (Variation ID: 984264). For these reasons, this variant has been classified as Pathogenic.

Myriad Genetics, Inc.
Classification: Likely pathogenic for Cockayne syndrome type 1. Last evaluated: 2019-03-23. Review status: criteria provided, single submitter. Criteria: Myriad Women's Health Autosomal Recessive and X-Linked Classification Criteria (2019). Collection method: clinical testing. Allele origin: unknown.
Comment: NM_000082.3(ERCC8):c.182C>G(S61*) is expected to be pathogenic in the context of ERCC8-related disorders. This variant is predicted to lead to an abnormal or absent protein product due to the creation of a premature termination codon in ERCC8, a gene where loss-of-function variants are known to be pathogenic. Please note: this variant was assessed in the context of healthy population screening.

Kasturba Medical College, Manipal, Kasturba Medical College, Manipal, Manipal Academy of Higher Education, Manipal, India
Classification: Pathogenic for Cockayne syndrome type 1. Review status: criteria provided, single submitter. Criteria: ACMG Guidelines, 2015. Collection method: clinical testing. Allele origin: unknown. Inheritance: Autosomal recessive inheritance. Affected: yes. Observed: 1 homozygote.

Literature cited by the submitters: PubMed 29572252 (cited by Labcorp Genetics (formerly Invitae), Labcorp).

NM_000082.4(ERCC8):c.182C>G (p.Ser61Ter)

Gene: ERCC8 (ERCC excision repair 8, CSA ubiquitin ligase complex subunit; minus strand). Cytogenetic location: 5q12.1.
Variant type: single nucleotide variant.
Coding change: c.182C>G on transcript NM_000082.4 (MANE Select); coding-DNA position 182, C replaced by G.
Protein change: p.Ser61Ter; replaces serine 61 with a stop codon.
Molecular consequence: nonsense. On other transcripts: 5 prime UTR variant (1).
Genome position (GRCh38, 1-based): chr5:60,922,147, G>C on the plus strand (C>G on the coding strand, the complement: ERCC8 is on the minus strand). VCF-style: chr5-60922147-G-C. GRCh37 (hg19) VCF-style: chr5-60217974-G-C.
Other names: c.8C>G, p.Ser3Ter (NM_001007233.3); c.182C>G, p.Ser61Ter (NM_001007234.3); c.-196C>G (NM_001290285.2); short protein forms S3*, S61*.
Identifiers: ClinVar variation 984264 (VCV000984264.12), dbSNP rs1749618632, ClinGen allele CA359828306.